The following is an entry in ClinVar:

ClinVar aggregate classification (germline): Uncertain significance (1 of 4 stars; one submission).

Submission:

Labcorp Genetics (formerly Invitae), Labcorp
Classification: Uncertain significance. Last evaluated: 2023-03-23. Review status: criteria provided, single submitter. Criteria: Invitae Variant Classification Sherloc (09022015). Collection method: clinical testing. Allele origin: germline.
Comment: In summary, the available evidence is currently insufficient to determine the role of this variant in disease. Therefore, it has been classified as a Variant of Uncertain Significance. Experimental studies and prediction algorithms are not available or were not evaluated, and the functional significance of this variant is currently unknown. This variant has not been reported in the literature in individuals affected with RP9-related conditions. The frequency data for this variant in the population databases is considered unreliable, as metrics indicate poor data quality at this position in the gnomAD database. This variant, c.126_134dup, results in the insertion of 3 amino acid(s) of the RP9 protein (p.Gln43_Leu45dup), but otherwise preserves the integrity of the reading frame.

NM_203288.2(RP9):c.117GCAGCAGCT[3] (p.40QQL[3])

Genes: RP9 (RP9 pre-mRNA splicing factor; minus strand), LOC129998224 (ATAC-STARR-seq lymphoblastoid silent region 18089; plus strand). Cytogenetic location: 7p14.3.
Variant type: Microsatellite.
Coding change: c.117GCAGCAGCT[3] on transcript NM_203288.2 (MANE Select); three copies in a row of the 9-base unit GCAGCAGCT starting at c.117; the reference has two copies in a row; one copy, 9 bases duplicated.
Protein change: p.40QQL[3].
Molecular consequence: inframe insertion.
Genome position (GRCh38, 1-based): chr7:33,109,239-33,109,247, AGCTGCTGC duplicated on the plus strand (GCAGCAGCT on the coding strand, the reverse complement: RP9 is on the minus strand); duplicating any 9 consecutive bases within chr7:33,109,239-33,109,256 gives the same sequence; the position shown is the placement nearest the transcript's 3' end. VCF-style (leftmost placement, unchanged base first): chr7-33109238-G-GAGCTGCTGC. GRCh37 (hg19) VCF-style: chr7-33148850-G-GAGCTGCTGC.
Identifiers: ClinVar variation 1415189 (VCV001415189.6), dbSNP rs1279778730, ClinGen allele CA573519072.